The following is an entry in ClinVar:

NM_145054.5(CFAP52):c.1255G>A (p.Gly419Ser)

Gene: CFAP52 (cilia and flagella associated protein 52; plus strand). Cytogenetic location: 17p13.1.
Variant type: single nucleotide variant.
Coding change: c.1255G>A on transcript NM_145054.5 (MANE Select); coding-DNA position 1255, G replaced by A.
Protein change: p.Gly419Ser; replaces glycine 419 with serine.
Molecular consequence: missense variant.
Genome position (GRCh38, 1-based): chr17:9,632,968, G>A. VCF-style: chr17-9632968-G-A. GRCh37 (hg19) VCF-style: chr17-9536285-G-A.
Other names: c.1255G>A, p.Gly419Ser (NM_001037306.1); c.1051G>A, p.Gly351Ser (NM_001080556.2); short protein forms G351S, G419S.
Identifiers: ClinVar variation 2662084 (VCV002662084.1), dbSNP rs747187180, ClinGen allele CA8382175.

ClinVar aggregate classification (germline): Uncertain significance (1 of 4 stars; one submission).

Allele frequency attached by ClinVar (database versions not stated): gnomAD exomes below 0.00001; ExAC 0.00001; gnomAD 0.00001.
gnomAD v4.1: 8 of 1,614,064 alleles (0.0005%); highest among the groups gnomAD compares: Admixed American, 0.005%; no homozygotes.

Submission:

GeneDx
Classification: Uncertain significance. Last evaluated: 2023-05-09. Review status: criteria provided, single submitter. Criteria: GeneDx Variant Classification Process June 2021. Collection method: clinical testing. Allele origin: germline. Affected: yes.
Comment: In silico analysis supports that this missense variant has a deleterious effect on protein structure/function; Has not been previously published as pathogenic or benign to our knowledge